The following is an entry in ClinVar:

NM_006017.3(PROM1):c.*684C>T

Gene: PROM1 (prominin 1; minus strand). Cytogenetic location: 4p15.32.
Variant type: single nucleotide variant.
Coding change: c.*684C>T on transcript NM_006017.3 (MANE Select); 684 bases downstream of the stop codon, C replaced by T.
Molecular consequence: 3 prime UTR variant.
Genome position (GRCh38, 1-based): chr4:15,968,709, G>A on the plus strand (C>T on the coding strand, the complement: PROM1 is on the minus strand). VCF-style: chr4-15968709-G-A. GRCh37 (hg19) VCF-style: chr4-15970332-G-A.
Other names: c.*684C>T (NM_001145847.2, NM_001145848.2, NM_001145849.2 and 6 more transcripts).
Identifiers: ClinVar variation 347967 (VCV000347967.5), dbSNP rs140362696, ClinGen allele CA10618194.

ClinVar aggregate classification (germline): Conflicting classifications of pathogenicity. Review status: criteria provided, conflicting classifications (1 of 4 stars). 4 submissions from 1 submitter: Uncertain significance (1); Benign (2); Likely benign (1). Last evaluated 2018-01-13.

Conditions:
Cone-rod dystrophy 12 (CORD12). Identifiers: Orphanet 1872, MedGen C2675210, MONDO:0012983, OMIM 612657.
Retinal macular dystrophy type 2 (MCDR2). Also called: Bull's eye macular dystrophy. Identifiers: Orphanet 319640, MedGen C4749334, MONDO:0011957, OMIM 608051.
Stargardt disease 4 (STGD4). Identifiers: Orphanet 827, MedGen C1863534, MONDO:0011370, OMIM 603786.
Retinitis pigmentosa (RP). Identifiers: Orphanet 791, MedGen C0035334, MeSH D012174, MONDO:0019200, OMIM 268000. Inheritance: Autosomal dominant, autosomal recessive and X linked inheritance.

Allele frequency attached by ClinVar (database versions not stated): gnomAD 0.00468 and 0.00496; 1000 Genomes Project 0.00539; TOPMed 0.00550; 1000 Genomes Project 30x 0.00562.

Submissions (4):

Illumina Laboratory Services, Illumina
Classification: Likely benign for Retinal macular dystrophy type 2. Last evaluated: 2018-01-13. Review status: criteria provided, single submitter. Criteria: ICSL Variant Classification Criteria 13 December 2019. Collection method: clinical testing. Allele origin: germline.
Comment: This variant was observed in the ICSL laboratory as part of a predisposition screen in an ostensibly healthy population. It had not been previously curated by ICSL or reported in the Human Gene Mutation Database (HGMD: prior to June 1st, 2018), and was therefore a candidate for classification through an automated scoring system. Utilizing variant allele frequency, disease prevalence and penetrance estimates, and inheritance mode, an automated score was calculated to assess if this variant is too frequent to cause the disease. Based on the score and internal cut-off values, a variant classified as likely benign is not then subjected to further curation. The score for this variant resulted in a classification of likely benign for this disease.

Illumina Laboratory Services, Illumina
Classification: Benign for Cone-rod dystrophy 12. Last evaluated: 2018-01-13. Review status: criteria provided, single submitter. Criteria: ICSL Variant Classification Criteria 13 December 2019. Collection method: clinical testing. Allele origin: germline.
Comment: This variant was observed in the ICSL laboratory as part of a predisposition screen in an ostensibly healthy population. It had not been previously curated by ICSL or reported in the Human Gene Mutation Database (HGMD: prior to June 1st, 2018), and was therefore a candidate for classification through an automated scoring system. Utilizing variant allele frequency, disease prevalence and penetrance estimates, and inheritance mode, an automated score was calculated to assess if this variant is too frequent to cause the disease. Based on the score and internal cut-off values, a variant classified as benign is not then subjected to further curation. The score for this variant resulted in a classification of benign for this disease.

Illumina Laboratory Services, Illumina
Classification: Uncertain significance for Retinitis pigmentosa. Last evaluated: 2018-01-13. Review status: criteria provided, single submitter. Criteria: ICSL Variant Classification Criteria 13 December 2019. Collection method: clinical testing. Allele origin: germline.

Illumina Laboratory Services, Illumina
Classification: Benign for Stargardt disease 4. Last evaluated: 2018-01-13. Review status: criteria provided, single submitter. Criteria: ICSL Variant Classification Criteria 13 December 2019. Collection method: clinical testing. Allele origin: germline.
Comment: the same text as in the submission from Illumina Laboratory Services, Illumina above.